The following is an entry in ClinVar:

NM_000094.4(COL7A1):c.7828C>T (p.Arg2610Ter)

Gene: COL7A1 (collagen type VII alpha 1 chain; minus strand). Cytogenetic location: 3p21.31.
Variant type: single nucleotide variant.
Coding change: c.7828C>T on transcript NM_000094.4 (MANE Select); coding-DNA position 7828, C replaced by T.
Protein change: p.Arg2610Ter; replaces arginine 2610 with a stop codon.
Molecular consequence: nonsense.
Genome position (GRCh38, 1-based): chr3:48,568,137, G>A on the plus strand (C>T on the coding strand, the complement: COL7A1 is on the minus strand). VCF-style: chr3-48568137-G-A. GRCh37 (hg19) VCF-style: chr3-48605570-G-A.
Other names: p.Arg2610Ter; short protein forms R2610*.
Identifiers: ClinVar variation 419502 (VCV000419502.13), dbSNP rs1064793916, ClinGen allele CA16617979.
Genomic context (GRCh38, chr3:48,568,137, plus strand): 5'-GTTTCTTTCCTACCTTGAGGCCCCGGGGACCCATGAAGCCAACATCTCCTTTTTCTCCTC[G>A]GATACCAGGCACTCCATCCTTTCCTGGGGATCCCTAGCAGGGAGAGGGTCCATGTGAGGT-3'

ClinVar aggregate classification (germline): Pathogenic. Review status: criteria provided, multiple submitters, no conflicts (2 of 4 stars). 7 submissions from 7 submitters: Pathogenic (6). 1 of the submissions does not count toward it. Last evaluated 2024-05-09.

Conditions:
Epidermolysis bullosa dystrophica. Also called: Dystrophic epidermolysis bullosa, Hallopeau-Siemens type (formerly); Dystrophic epidermolysis bullosa. Identifiers: Orphanet 303, MedGen C0079294, MONDO:0006543.
Epidermolysis bullosa pruriginosa. Also called: DEB, PRURIGINOSA; DYSTROPHIC EPIDERMOLYSIS BULLOSA PRURIGINOSA. Identifiers: Orphanet 89843, MedGen C1275114, MONDO:0011398, OMIM 604129.
Recessive dystrophic epidermolysis bullosa (RDEB). Also called: Hallopeau-Siemens Disease; EPIDERMOLYSIS BULLOSA DYSTROPHICA, GENERALIZED SEVERE, AUTOSOMAL RECESSIVE; Epidermolysis Bullosa Distrophica Autosomal Recessive (RDEB); epidermolysis bullosa dystrophica, autosomal recessive; Recessive DEB (RDEB); DYSTROPHIC EPIDERMOLYSIS BULLOSA, AUTOSOMAL RECESSIVE. Identifiers: Orphanet 79408, Orphanet 79409, MedGen C0079474, MONDO:0009179, OMIM 226600.

Allele frequency attached by ClinVar (database versions not stated): gnomAD exomes below 0.00001; gnomAD 0.00001; TOPMed 0.00001.
gnomAD v4.1: 9 of 1,613,892 alleles (0.00056%); highest among the groups gnomAD compares: African/African-American, 0.0013%; no homozygotes.

Submissions (7):

Myriad Genetics, Inc.
Classification: Pathogenic for Recessive dystrophic epidermolysis bullosa. Last evaluated: 2024-05-09. Review status: criteria provided, single submitter. Criteria: Myriad Autosomal Dominant, Autosomal Recessive and X-Linked Classification Criteria (2023). Collection method: clinical testing. Allele origin: unknown.
Comment: NM_000094.3(COL7A1):c.7828C>T(R2610*) is expected to be pathogenic in the context of dystrophic epidermolysis bullosa. This variant is predicted to lead to an abnormal or absent protein product due to the creation of a premature termination codon in COL7A1, a gene where loss-of-function variants are known to be pathogenic. Please note: this variant was assessed in the context of healthy population screening.

Labcorp Genetics (formerly Invitae), Labcorp
Classification: Pathogenic. Last evaluated: 2023-11-27. Review status: criteria provided, single submitter. Criteria: Invitae Variant Classification Sherloc (09022015). Collection method: clinical testing. Allele origin: germline.
Comment: This sequence change creates a premature translational stop signal (p.Arg2610*) in the COL7A1 gene. It is expected to result in an absent or disrupted protein product. Loss-of-function variants in COL7A1 are known to be pathogenic (PMID: 16971478). This variant is present in population databases (no rsID available, gnomAD 0.003%). This premature translational stop signal has been observed in individual(s) with autosomal recessive dystrophic epidermolysis bullosa (PMID: 9326325, 21448560). ClinVar contains an entry for this variant (Variation ID: 419502). For these reasons, this variant has been classified as Pathogenic.

GeneDx
Classification: Pathogenic. Last evaluated: 2023-10-19. Review status: criteria provided, single submitter. Criteria: GeneDx Variant Classification Process June 2021. Collection method: clinical testing. Allele origin: germline. Affected: yes.
Comment: Nonsense variant predicted to result in protein truncation or nonsense mediated decay in a gene for which loss-of-function is a known mechanism of disease (Hovnanian et al., 1997; Atanasova et al., 2017); Not observed at significant frequency in large population cohorts (gnomAD); This variant is associated with the following publications: (PMID: 21448560, 29427316, 31589614, 25525159, 28549954, 36287101, 9326325)

Foundation for Research in Genetics and Endocrinology, FRIGE's Institute of Human Genetics
Classification: Pathogenic for Epidermolysis bullosa pruriginosa. Last evaluated: 2022-09-13. Review status: criteria provided, single submitter. Criteria: ACMG Guidelines, 2015. Collection method: clinical testing. Allele origin: germline. Inheritance: Autosomal recessive inheritance. Affected: yes. Observed: 1 homozygote.
Comment: A homozygous nonsense variation in exon 106 of the COL7A1 gene that results in a stop codon and premature truncation of the protein at codon 2610 was detected. This variant has not been reported in the 1000 genomes database. The reference codon is conserved across primates. In summary, the variant meets our criteria to be classified as pathogenic.

3billion
Classification: Pathogenic for Recessive dystrophic epidermolysis bullosa. Last evaluated: 2022-05-22. Review status: criteria provided, single submitter. Criteria: ACMG Guidelines, 2015. Collection method: clinical testing. Allele origin: germline. Affected: yes. Observed: 1 heterozygote.
Comment: The substitution creates a nonsense variant, which is expected to cause a loss of normal protein function via nonsense-mediated mRNA decay. This variant has been reported as pathogenic (ClinVar ID: VCV000419502, PMID:9326325). It has been reported with an extremely low frequency in the gnomAD v2.1.1 dataset. Therefore, this variant is classified as pathogenic according to the recommendation of ACMG/AMP guideline.

Neuberg Centre For Genomic Medicine, NCGM
Classification: Pathogenic for Recessive dystrophic epidermolysis bullosa. Review status: criteria provided, single submitter. Criteria: ACMG Guidelines, 2015. Collection method: clinical testing. Allele origin: germline. Inheritance: Autosomal recessive inheritance. Affected: yes.
Comment: The c.7828C>T (p.Arg2610Ter) stop gained variant in the COL7A1 gene has been reported previously in association with dystrophic epidermolysis bullosa (Almaani et al., 2011). This variant is reported with the allele frequency (0.0003%) in the gnomAD and novel in 1000 genome database. This variant has been reported to the ClinVar database as Pathogenic. The nucleotide change c.7828C>T in COL7A1 is predicted as conserved by GERP++ and PhyloP across 100 vertebrates. This variant is predicted to cause loss of normal protein function either through protein truncation or nonsense-mediated mRNA decay. For these reasons, this variant has been classified as Pathogenic.

Natera, Inc.
Classification: Pathogenic for Dystrophic epidermolysis bullosa. Last evaluated: 2021-01-06. Review status: no assertion criteria provided. Collection method: clinical testing. Allele origin: germline. Not counted in ClinVar's aggregate classification.

Literature cited by the submitters: PubMed 16971478 (cited by Labcorp Genetics (formerly Invitae), Labcorp); PubMed 9326325 (cited by Labcorp Genetics (formerly Invitae), Labcorp and 3billion); PubMed 21448560 (cited by Labcorp Genetics (formerly Invitae), Labcorp).